The following is an entry in ClinVar:

ClinVar aggregate classification (germline): Uncertain significance (1 of 4 stars; one submission).

Submission:

Ambry Genetics
Classification: Uncertain significance. Last evaluated: 2025-07-20. Review status: criteria provided, single submitter. Criteria: Ambry Variant Classification Scheme 2023. Collection method: clinical testing. Allele origin: germline.
Comment: The p.P945L variant (also known as c.2834C>T), located in coding exon 11 of the WNK2 gene, results from a C to T substitution at nucleotide position 2834. The proline at codon 945 is replaced by leucine, an amino acid with similar properties. This amino acid position is conserved. In addition, this alteration is predicted to be tolerated by in silico analysis. Based on the available evidence, the clinical significance of this variant remains unclear.

NM_006648.4(WNK2):c.2834C>T (p.Pro945Leu)

Gene: WNK2 (WNK lysine deficient protein kinase 2; plus strand). Cytogenetic location: 9q22.31.
Variant type: single nucleotide variant.
Coding change: c.2834C>T on transcript NM_006648.4 (MANE Select); coding-DNA position 2834, C replaced by T.
Protein change: p.Pro945Leu; replaces proline 945 with leucine.
Molecular consequence: missense variant.
Genome position (GRCh38, 1-based): chr9:93,259,382, C>T. VCF-style: chr9-93259382-C-T. GRCh37 (hg19) VCF-style: chr9-96021664-C-T.
Other names: c.2834C>T, p.Pro945Leu (NM_001282394.3); short protein forms P945L.
Identifiers: ClinVar variation 4201645 (VCV004201645.1).